The following is an entry in ClinVar:

ClinVar aggregate classification (germline): Uncertain significance (1 of 4 stars; one submission).

gnomAD v4.1: 21 of 1,550,772 alleles (0.0014%); highest among the groups gnomAD compares: Admixed American, 0.037%; no homozygotes.

Submission:

Labcorp Genetics (formerly Invitae), Labcorp
Classification: Uncertain significance. Last evaluated: 2024-06-22. Review status: criteria provided, single submitter. Criteria: Invitae Variant Classification Sherloc (09022015). Collection method: clinical testing. Allele origin: germline.
Comment: This sequence change affects codon 1954 of the LOXHD1 mRNA. It is a 'silent' change, meaning that it does not change the encoded amino acid sequence of the LOXHD1 protein. It affects a nucleotide within the consensus splice site. This variant is present in population databases (rs200730236, gnomAD 0.05%). This variant has not been reported in the literature in individuals affected with LOXHD1-related conditions. Algorithms developed to predict the effect of sequence changes on RNA splicing suggest that this variant is not likely to affect RNA splicing. In summary, the available evidence is currently insufficient to determine the role of this variant in disease. Therefore, it has been classified as a Variant of Uncertain Significance.

NM_001384474.1(LOXHD1):c.6048C>T (p.Thr2016=)

Gene: LOXHD1 (lipoxygenase homology PLAT domains 1; minus strand). Cytogenetic location: 18q21.1.
Variant type: single nucleotide variant.
Coding change: c.6048C>T on transcript NM_001384474.1 (MANE Select); coding-DNA position 6048, C replaced by T.
Protein change: p.Thr2016=; no amino-acid change (threonine 2016 retained).
Molecular consequence: synonymous variant.
Genome position (GRCh38, 1-based): chr18:46,488,973, G>A on the plus strand (C>T on the coding strand, the complement: LOXHD1 is on the minus strand). VCF-style: chr18-46488973-G-A. GRCh37 (hg19) VCF-style: chr18-44068936-G-A.
Other names: c.2715C>T, p.Thr905= (NM_001145472.3); c.765C>T, p.Thr255= (NM_001145473.3, NM_001173129.2); c.2427C>T, p.Thr809= (NM_001308013.2); c.5862C>T, p.Thr1954= (NM_144612.7).
Identifiers: ClinVar variation 3648200 (VCV003648200.1).